The following is an entry in ClinVar:

NM_206933.4(USH2A):c.9460G>A (p.Ala3154Thr)

Gene: USH2A (usherin; minus strand). Cytogenetic location: 1q41.
Variant type: single nucleotide variant.
Coding change: c.9460G>A on transcript NM_206933.4 (MANE Select); coding-DNA position 9460, G replaced by A.
Protein change: p.Ala3154Thr; replaces alanine 3154 with threonine.
Molecular consequence: missense variant.
Genome position (GRCh38, 1-based): chr1:215,817,107, C>T on the plus strand (G>A on the coding strand, the complement: USH2A is on the minus strand). VCF-style: chr1-215817107-C-T. GRCh37 (hg19) VCF-style: chr1-215990449-C-T.
Other names: c.9460G>A (NM_206933.2); short protein forms A3154T.
Identifiers: ClinVar variation 1055628 (VCV001055628.7), dbSNP rs150266899, ClinGen allele CA1394308.

ClinVar aggregate classification (germline): Uncertain significance. Review status: criteria provided, multiple submitters, no conflicts (2 of 4 stars). 4 submissions from 4 submitters: Uncertain significance (3). 1 of the submissions does not count toward it. Last evaluated 2025-11-08.

Conditions:
Inborn genetic diseases. Identifiers: MedGen C0950123, MeSH D030342.
Usher syndrome type 2A. Also called: RETINAL DISEASE IN USHER SYNDROME TYPE IIA, MODIFIER OF; USHER SYNDROME, TYPE IIA. Identifiers: Orphanet 231178, Orphanet 886, MedGen C1848634, MONDO:0010169, OMIM 276901.

Allele frequency attached by ClinVar (database versions not stated): TOPMed 0.00003; gnomAD 0.00005; ESP Exome Variant Server 0.00015.
gnomAD v4.1: 28 of 1,612,670 alleles (0.0017%); highest among the groups gnomAD compares: African/African-American, 0.0094%; no homozygotes.

Submissions (4):

Ambry Genetics
Classification: Uncertain significance for Inborn genetic diseases. Last evaluated: 2025-11-08. Review status: criteria provided, single submitter. Criteria: Ambry Variant Classification Scheme 2023. Collection method: clinical testing. Allele origin: germline.

Labcorp Genetics (formerly Invitae), Labcorp
Classification: Uncertain significance. Last evaluated: 2024-08-13. Review status: criteria provided, single submitter. Criteria: Invitae Variant Classification Sherloc (09022015). Collection method: clinical testing. Allele origin: germline.
Comment: This sequence change replaces alanine, which is neutral and non-polar, with threonine, which is neutral and polar, at codon 3154 of the USH2A protein (p.Ala3154Thr). This variant is present in population databases (rs150266899, gnomAD 0.01%). This variant has not been reported in the literature in individuals affected with USH2A-related conditions. ClinVar contains an entry for this variant (Variation ID: 1055628). Advanced modeling of protein sequence and biophysical properties (such as structural, functional, and spatial information, amino acid conservation, physicochemical variation, residue mobility, and thermodynamic stability) performed at Invitae indicates that this missense variant is not expected to disrupt USH2A protein function with a negative predictive value of 95%. In summary, the available evidence is currently insufficient to determine the role of this variant in disease. Therefore, it has been classified as a Variant of Uncertain Significance.

Blueprint Genetics
Classification: Uncertain significance. Last evaluated: 2018-10-22. Review status: criteria provided, single submitter. Criteria: ACMG Guidelines, 2015. Collection method: clinical testing. Allele origin: germline.

Natera, Inc.
Classification: Uncertain significance for Usher syndrome type 2A. Last evaluated: 2020-03-19. Review status: no assertion criteria provided. Collection method: clinical testing. Allele origin: germline. Not counted in ClinVar's aggregate classification.